The following is an entry in ClinVar:

ClinVar aggregate classification (germline): Uncertain significance. Review status: criteria provided, multiple submitters, no conflicts (2 of 4 stars). 4 submissions from 4 submitters: Uncertain significance (4). Last evaluated 2025-02-12.

Conditions:
Lafora disease. Also called: Epilepsy progressive myoclonic 2; Progressive Myoclonus Epilepsy, Lafora Type. Identifiers: Orphanet 501, MedGen C0751783, MONDO:0009697.
NHLRC1-related disorder. Also called: NHLRC1-related condition.
Inborn genetic diseases. Identifiers: MedGen C0950123, MeSH D030342.

Allele frequency attached by ClinVar (database versions not stated): gnomAD 0.00030; TOPMed 0.00039; 1000 Genomes Project 0.00080; 1000 Genomes Project 30x 0.00094; gnomAD exomes 0.00003 and 0.00006; ExAC 0.00011; ESP Exome Variant Server 0.00015.

Submissions (4):

PreventionGenetics, part of Exact Sciences
Classification: Uncertain significance for NHLRC1-related condition. Last evaluated: 2025-02-12. Review status: criteria provided, single submitter. Criteria: ACMG Guidelines, 2015. Collection method: clinical testing. Allele origin: germline.
Comment: The NHLRC1 c.874A>T variant is predicted to result in the amino acid substitution p.Thr292Ser. To our knowledge, this variant has not been reported in the literature. This variant is reported in 0.093% of alleles in individuals of African descent in gnomAD. At this time, the clinical significance of this variant is uncertain due to the absence of conclusive functional and genetic evidence.

Ambry Genetics
Classification: Uncertain significance for Inborn genetic diseases. Last evaluated: 2024-11-29. Review status: criteria provided, single submitter. Criteria: Ambry Variant Classification Scheme 2023. Collection method: clinical testing. Allele origin: germline.

GeneDx
Classification: Uncertain significance. Last evaluated: 2024-05-16. Review status: criteria provided, single submitter. Criteria: GeneDx Variant Classification Process June 2021. Collection method: clinical testing. Allele origin: germline. Affected: yes.
Comment: In silico analysis indicates that this missense variant does not alter protein structure/function; Has not been previously published as pathogenic or benign to our knowledge

Labcorp Genetics (formerly Invitae), Labcorp
Classification: Uncertain significance for Lafora disease. Last evaluated: 2022-10-17. Review status: criteria provided, single submitter. Criteria: Invitae Variant Classification Sherloc (09022015). Collection method: clinical testing. Allele origin: germline.
Comment: This sequence change replaces threonine, which is neutral and polar, with serine, which is neutral and polar, at codon 292 of the NHLRC1 protein (p.Thr292Ser). This variant is present in population databases (rs200214191, gnomAD 0.1%). This variant has not been reported in the literature in individuals affected with NHLRC1-related conditions. ClinVar contains an entry for this variant (Variation ID: 567398). Advanced modeling of protein sequence and biophysical properties (such as structural, functional, and spatial information, amino acid conservation, physicochemical variation, residue mobility, and thermodynamic stability) performed at Invitae indicates that this missense variant is not expected to disrupt NHLRC1 protein function. In summary, the available evidence is currently insufficient to determine the role of this variant in disease. Therefore, it has been classified as a Variant of Uncertain Significance.

NM_198586.3(NHLRC1):c.874A>T (p.Thr292Ser)

Gene: NHLRC1 (NHL repeat containing E3 ubiquitin protein ligase 1; minus strand). Cytogenetic location: 6p22.3.
Variant type: single nucleotide variant.
Coding change: c.874A>T on transcript NM_198586.3 (MANE Select); coding-DNA position 874, A replaced by T.
Protein change: p.Thr292Ser; replaces threonine 292 with serine.
Molecular consequence: missense variant.
Genome position (GRCh38, 1-based): chr6:18,121,733, T>A on the plus strand (A>T on the coding strand, the complement: NHLRC1 is on the minus strand). VCF-style: chr6-18121733-T-A. GRCh37 (hg19) VCF-style: chr6-18121964-T-A.
Other names: short protein forms T292S.
Identifiers: ClinVar variation 567398 (VCV000567398.16), dbSNP rs200214191, ClinGen allele CA3649913.